The following is an entry in ClinVar:

NM_003482.4(KMT2D):c.7778C>A (p.Pro2593His)

Gene: KMT2D (lysine methyltransferase 2D; minus strand). Cytogenetic location: 12q13.12.
Variant type: single nucleotide variant.
Coding change: c.7778C>A on transcript NM_003482.4 (MANE Select); coding-DNA position 7778, C replaced by A.
Protein change: p.Pro2593His; replaces proline 2593 with histidine.
Molecular consequence: missense variant.
Genome position (GRCh38, 1-based): chr12:49,039,992, G>T on the plus strand (C>A on the coding strand, the complement: KMT2D is on the minus strand). VCF-style: chr12-49039992-G-T. GRCh37 (hg19) VCF-style: chr12-49433775-G-T.
Other names: short protein forms P2593H.
Identifiers: ClinVar variation 1806049 (VCV001806049.2), dbSNP rs1943424122, ClinGen allele CA384746872.

ClinVar aggregate classification (germline): Uncertain significance. Review status: criteria provided, multiple submitters, no conflicts (2 of 4 stars). 2 submissions from 2 submitters: Uncertain significance (2). Last evaluated 2025-10-02.

Conditions:
Inborn genetic diseases. Identifiers: MedGen C0950123, MeSH D030342.
Kabuki syndrome 1 (KABUK1). Also called: KMT2D-Related Kabuki Syndrome. Identifiers: Orphanet 2322, MedGen CN030661, MONDO:0007843, OMIM 147920.

Submissions (2):

Ambry Genetics
Classification: Uncertain significance for Inborn genetic diseases. Last evaluated: 2025-10-02. Review status: criteria provided, single submitter. Criteria: Ambry Variant Classification Scheme 2023. Collection method: clinical testing. Allele origin: germline.

Victorian Clinical Genetics Services, Murdoch Childrens Research Institute
Classification: Uncertain significance for Kabuki syndrome 1. Last evaluated: 2020-05-21. Review status: criteria provided, single submitter. Criteria: ACMG Guidelines, 2015. Collection method: clinical testing. Allele origin: germline. Inheritance: Autosomal dominant inheritance.
Comment: Based on the classification scheme VCGS_Germline_v1.1.1, this variant is classified as VOUS. Following criteria are met: 0102 - Loss-of-function is a known mechanism of disease for this gene. (N) 0107 - This gene is known to be associated with autosomal dominant disease. (N) 0200 - Variant is predicted to result in a missense amino acid change from proline to histidine (exon 31). (N) 0251 - Variant is heterozygous. (N) 0301 - Variant is absent from gnomAD. (P) 0502 - Missense variant with conflicting in-silico predictions and/or uninformative conservation. (N) 0604 - Variant is not located in an established domain, motif, hotspot or informative constraint region. (N) 0705 - No comparable variants have previous evidence for pathogenicity. (N) 0807 - Variant has not previously been reported in a clinical context. (N) 0905 - No segregation evidence has been identified for this variant. (N) 1007 - No published functional evidence has been identified for this variant. (N) Legend: (P) - Pathogenic, (N) - Neutral, (B) - Benign